The following is an entry in ClinVar:

ClinVar aggregate classification (germline): Pathogenic/Likely pathogenic. Review status: criteria provided, multiple submitters, no conflicts (2 of 4 stars). 2 submissions from 2 submitters: Pathogenic (1); Likely pathogenic (1). Last evaluated 2025-04-07.

Conditions:
Breast-ovarian cancer, familial, susceptibility to, 1 (BROVCA1). Also called: BRCA1 Hereditary Breast and Ovarian Cancer; OVARIAN CANCER, SUSCEPTIBILITY TO. Identifiers: Orphanet 145, MedGen C2676676, MONDO:0011450, OMIM 604370. Disease mechanism: loss of function.
Hereditary breast ovarian cancer syndrome. Also called: Hereditary breast and ovarian cancer syndrome (HBOC); Breast and ovarian cancer; Hereditary breast and/or ovarian cancer syndrome; Hereditary breast and ovarian cancer syndrome; BRCA1- and BRCA2-Associated Hereditary Breast and Ovarian Cancer; Hereditary breast and ovarian cancer. Identifiers: Orphanet 145, MedGen C0677776, MeSH D061325, MONDO:0003582. Disease mechanism: loss of function.

Submissions (2):

EVOGEN
Classification: Likely pathogenic for Breast-ovarian cancer, familial, susceptibility to, 1. Last evaluated: 2025-04-07. Review status: criteria provided, single submitter. Criteria: ACMG Guidelines, 2015. Collection method: clinical testing. Allele origin: germline. Affected: yes.
Comment: PVS1: Null variant (frame-shift) in gene BRCA1, predicted to cause NMD. Loss-of-function is a known mechanism of disease (gene has 3 888 reported pathogenic LOF variants). The exon contains 2 398 pathogenic variants. The truncated region contains 2 188 pathogenic variants. PP5: Strong: ClinVar classifies this variant as Pathogenic, 1 star, citing 36367610. PM2: Variant not found in gnomAD genomes, good gnomAD genomes coverage = 31.0. GnomAD exomes homozygous allele count = 0 is less than 2 for AD/AR gene BRCA1, good gnomAD exomes coverage = 65.8. Data from ClinVar submitters: VCV003656677.1 Moscow City Health Department financial support

Labcorp Genetics (formerly Invitae), Labcorp
Classification: Pathogenic for Hereditary breast ovarian cancer syndrome. Last evaluated: 2024-06-17. Review status: criteria provided, single submitter. Criteria: Invitae Variant Classification Sherloc (09022015). Collection method: clinical testing. Allele origin: germline.
Comment: This sequence change creates a premature translational stop signal (p.Lys970Metfs*29) in the BRCA1 gene. It is expected to result in an absent or disrupted protein product. Loss-of-function variants in BRCA1 are known to be pathogenic (PMID: 20104584). This variant is not present in population databases (gnomAD no frequency). This premature translational stop signal has been observed in individual(s) with ovarian cancer (PMID: 36367610). For these reasons, this variant has been classified as Pathogenic.

Literature cited by the submitters: PubMed 20104584 (cited by Labcorp Genetics (formerly Invitae), Labcorp); PubMed 36367610 (cited by Labcorp Genetics (formerly Invitae), Labcorp).

NM_007294.4(BRCA1):c.2907_2910del (p.Lys970fs)

Gene: BRCA1 (BRCA1 DNA repair associated; minus strand). Cytogenetic location: 17q21.31.
Variant type: Deletion.
Coding change: c.2907_2910del on transcript NM_007294.4 (MANE Select); coding-DNA positions 2907 to 2910, 4 bases deleted (TAAA; older notation c.2907_2910delTAAA).
Protein change: p.Lys970fs; shifts the reading frame from lysine 970.
Molecular consequence: frameshift variant. On other transcripts: intron variant (137).
Genome position (GRCh38, 1-based): chr17:43,092,621-43,092,624, TTTA deleted on the plus strand (TAAA on the coding strand, the reverse complement: BRCA1 is on the minus strand); deleting any 4 consecutive bases within chr17:43,092,621-43,092,627 gives the same sequence; the c. name uses the placement nearest the transcript's 3' end. VCF-style (leftmost placement, unchanged base first): chr17-43092620-GTTTA-G. GRCh37 (hg19) VCF-style: chr17-41244637-GTTTA-G.
Other names: c.785-1592_785-1589del (NM_001407985.1, NM_001407991.1, NM_001408407.1 and 13 more transcripts); c.548-1592_548-1589del (NM_001408494.1); c.665-1592_665-1589del (NM_001408444.1, NM_001408438.1, NM_001408430.1 and 12 more transcripts); c.671-1592_671-1589del (NM_001408423.1, NM_001408420.1, NM_001408419.1 and 2 more transcripts); c.788-1592_788-1589del (NM_001408404.1, NM_001408472.1, NM_001407990.1 and 17 more transcripts); c.788-485_788-482del (NM_001407969.1, NM_001407968.1); c.578-1592_578-1589del (NM_001408492.1, NM_001408513.1, NM_001408489.1 and 9 more transcripts); c.644-1592_644-1589del (NM_001408468.1, NM_001408465.1, NM_001408463.1 and 3 more transcripts); and 41 more; short protein forms K843fs, K902fs, K922fs, K969fs, K802fs, K858fs, K903fs, K928fs.
Identifiers: ClinVar variation 3656677 (VCV003656677.3).